The following is an entry in ClinVar:

NM_005633.4(SOS1):c.2877C>G (p.Ser959Arg)

Gene: SOS1 (SOS Ras/Rac guanine nucleotide exchange factor 1; minus strand). Cytogenetic location: 2p22.1.
Variant type: single nucleotide variant.
Coding change: c.2877C>G on transcript NM_005633.4 (MANE Select); coding-DNA position 2877, C replaced by G.
Protein change: p.Ser959Arg; replaces serine 959 with arginine.
Molecular consequence: missense variant.
Genome position (GRCh38, 1-based): chr2:38,997,340, G>C on the plus strand (C>G on the coding strand, the complement: SOS1 is on the minus strand). VCF-style: chr2-38997340-G-C. GRCh37 (hg19) VCF-style: chr2-39224481-G-C.
Other names: c.2856C>G, p.Ser952Arg (NM_001382394.1); c.2877C>G, p.Ser959Arg (NM_001382395.1); short protein forms S959R, S952R.
Identifiers: ClinVar variation 2772904 (VCV002772904.3), dbSNP rs2528926281, ClinGen allele CA346361770.

ClinVar aggregate classification (germline): Uncertain significance (1 of 4 stars; one submission).

Conditions:
RASopathy. Also called: Noonan spectrum disorder; rasopathies. Identifiers: Orphanet 536391, MedGen C5555857, MONDO:0021060.

Submission:

Labcorp Genetics (formerly Invitae), Labcorp
Classification: Uncertain significance for RASopathy. Last evaluated: 2023-10-30. Review status: criteria provided, single submitter. Criteria: Invitae Variant Classification Sherloc (09022015). Collection method: clinical testing. Allele origin: germline.
Comment: This sequence change replaces serine, which is neutral and polar, with arginine, which is basic and polar, at codon 959 of the SOS1 protein (p.Ser959Arg). This variant is not present in population databases (gnomAD no frequency). This variant has not been reported in the literature in individuals affected with SOS1-related conditions. Advanced modeling of protein sequence and biophysical properties (such as structural, functional, and spatial information, amino acid conservation, physicochemical variation, residue mobility, and thermodynamic stability) performed at Invitae indicates that this missense variant is expected to disrupt SOS1 protein function with a positive predictive value of 95%. In summary, the available evidence is currently insufficient to determine the role of this variant in disease. Therefore, it has been classified as a Variant of Uncertain Significance.